The following is an entry in ClinVar:

ClinVar aggregate classification (germline): Uncertain significance (1 of 4 stars; one submission).

Submission:

Institute for Human Genetics, University Hospital Essen
Classification: Uncertain significance. Last evaluated: 2005-03-05. Review status: criteria provided, single submitter. Criteria: ACMG Guidelines, 2015. Collection method: clinical testing. Allele origin: de novo. Affected: yes.
Comment: PM2_supp, PS2

NR_002753.8(RNU5F-1):n.79T>A

Genes: ARMH1 (armadillo like helical domain containing 1; plus strand), RNU5F-1 (RNA, U5F small nuclear 1; minus strand). Cytogenetic location: 1p34.1.
Variant type: single nucleotide variant.
Molecular consequence: intron variant (on NM_001145636.2).
Genome position: GRCh38 VCF-style: chr1-44721823-A-T. GRCh37 (hg19) VCF-style: chr1-45187495-A-T.
Other names: c.725-2299A>T (NM_001145636.2).
Identifiers: ClinVar variation 3770167 (VCV003770167.1).
Genomic context (GRCh38, chr1:44,721,823, plus strand): 5'-CTCTCTTTAGTAACAGAACATTCAGCCTTGCCTAGGCAAGACTTCAAAAAATTTAACCAT[A>T]AACTCATAGTTGTTTTTCTCCACGGAAATCTTTAGTAAAAGGCGAAAGATTTATTCGTTA-3'